The following is an entry in ClinVar:

NM_000297.4(PKD2):c.2340C>A (p.Asp780Glu)

Gene: PKD2 (polycystin 2, transient receptor potential cation channel; plus strand). Cytogenetic location: 4q22.1.
Variant type: single nucleotide variant.
Coding change: c.2340C>A on transcript NM_000297.4 (MANE Select); coding-DNA position 2340, C replaced by A.
Protein change: p.Asp780Glu; replaces aspartic acid 780 with glutamic acid.
Molecular consequence: missense variant. On other transcripts: non-coding transcript variant (1).
Genome position (GRCh38, 1-based): chr4:88,065,861, C>A. VCF-style: chr4-88065861-C-A. GRCh37 (hg19) VCF-style: chr4-88987013-C-A.
Other names: short protein forms D780E.
Identifiers: ClinVar variation 2725903 (VCV002725903.3), dbSNP rs372745575, ClinGen allele CA357625441.

ClinVar aggregate classification (germline): Uncertain significance (1 of 4 stars; one submission).

Conditions:
Autosomal dominant polycystic kidney disease. Identifiers: Orphanet 730, MedGen C0085413, MONDO:0004691.

Submission:

Labcorp Genetics (formerly Invitae), Labcorp
Classification: Uncertain significance for Autosomal dominant polycystic kidney disease. Last evaluated: 2023-06-23. Review status: criteria provided, single submitter. Criteria: Invitae Variant Classification Sherloc (09022015). Collection method: clinical testing. Allele origin: germline.
Comment: This sequence change replaces aspartic acid, which is acidic and polar, with glutamic acid, which is acidic and polar, at codon 780 of the PKD2 protein (p.Asp780Glu). This variant is not present in population databases (gnomAD no frequency). This variant has not been reported in the literature in individuals affected with PKD2-related conditions. Advanced modeling of protein sequence and biophysical properties (such as structural, functional, and spatial information, amino acid conservation, physicochemical variation, residue mobility, and thermodynamic stability) performed at Invitae indicates that this missense variant is not expected to disrupt PKD2 protein function. In summary, the available evidence is currently insufficient to determine the role of this variant in disease. Therefore, it has been classified as a Variant of Uncertain Significance.